The following is an entry in ClinVar:

ClinVar aggregate classification (germline): Benign/Likely benign. Review status: criteria provided, multiple submitters, no conflicts (2 of 4 stars). 4 submissions from 4 submitters: Benign (2); Likely benign (1). 1 of the submissions does not count toward it. Last evaluated 2026-02-01.

Conditions:
ERCC6L2-related disorder. Also called: ERCC6L2-related condition.
Pancytopenia-developmental delay syndrome. Also called: Bone marrow failure syndrome 2. Identifiers: Orphanet 401764, MedGen C3810350, MONDO:0014317, OMIM 615715.

Allele frequency attached by ClinVar (database versions not stated): gnomAD exomes 0.00029 and 0.00067; ExAC 0.00081; 1000 Genomes Project 0.00100; 1000 Genomes Project 30x 0.00156; ESP Exome Variant Server 0.00192; gnomAD 0.00238 and 0.00258; TOPMed 0.00260.
gnomAD v4.1: 725 of 1,367,026 alleles (0.053%); highest among the groups gnomAD compares: Middle Eastern, 0.84%; 3 homozygotes.

Submissions (4):

Labcorp Genetics (formerly Invitae), Labcorp
Classification: Benign. Last evaluated: 2026-02-01. Review status: criteria provided, single submitter. Criteria: Invitae Variant Classification Sherloc (09022015). Collection method: clinical testing. Allele origin: germline.

ARUP Laboratories, Molecular Genetics and Genomics, ARUP Laboratories
Classification: Likely benign for Pancytopenia-developmental delay syndrome. Last evaluated: 2025-05-05. Review status: criteria provided, single submitter. Criteria: ARUP Molecular Germline Variant Investigation Process 2024. Collection method: clinical testing. Allele origin: germline.

Breakthrough Genomics
Classification: Benign. Review status: criteria provided, single submitter. Criteria: ACMG Guidelines, 2015. Collection method: not provided. Allele origin: germline. Inheritance: Autosomal recessive inheritance. Affected: yes.

PreventionGenetics, part of Exact Sciences
Classification: Benign for ERCC6L2-related condition. Last evaluated: 2019-10-28. Review status: no assertion criteria provided. Collection method: clinical testing. Allele origin: germline. Not counted in ClinVar's aggregate classification.
Comment: This variant is classified as benign based on ACMG/AMP sequence variant interpretation guidelines (Richards et al. 2015 PMID: 25741868, with internal and published modifications).

NM_020207.7(ERCC6L2):c.4601T>G (p.Phe1534Cys)

Gene: ERCC6L2 (ERCC excision repair 6 like 2; plus strand). Cytogenetic location: 9q22.32.
Variant type: single nucleotide variant.
Coding change: c.4601T>G on transcript NM_020207.7 (MANE Select); coding-DNA position 4601, T replaced by G.
Protein change: p.Phe1534Cys; replaces phenylalanine 1534 with cysteine.
Molecular consequence: missense variant. On other transcripts: non-coding transcript variant (1), intron variant (2).
Genome position (GRCh38, 1-based): chr9:96,013,151, T>G. VCF-style: chr9-96013151-T-G. GRCh37 (hg19) VCF-style: chr9-98775433-T-G.
Other names: c.3674+8450T>G (NM_001375291.1, NM_001375292.1); c.4634T>G (NM_020207.4); short protein forms F1534C.
Identifiers: ClinVar variation 1165818 (VCV001165818.13), dbSNP rs36002949, ClinGen allele CA5140133.